The following is an entry in ClinVar:

NM_022455.5(NSD1):c.3267del (p.Leu1091fs)

Gene: NSD1 (nuclear receptor binding SET domain protein 1; plus strand). Cytogenetic location: 5q35.3.
Variant type: Deletion.
Coding change: c.3267del on transcript NM_022455.5 (MANE Select); coding-DNA position 3267, one base deleted (T; older notation c.3267delT).
Protein change: p.Leu1091fs; shifts the reading frame from leucine 1091.
Molecular consequence: frameshift variant.
Genome position (GRCh38, 1-based): chr5:177,211,666, T deleted. VCF-style (leftmost placement, unchanged base first): chr5-177211665-AT-A. GRCh37 (hg19) VCF-style: chr5-176638666-AT-A.
Other names: c.2847del, p.Leu951fs (NM_001409304.1); c.2514del, p.Leu840fs (NM_001409305.1); c.2394del, p.Leu800fs (NM_001409306.1, NM_001409307.1, NM_001409308.1 and 3 more transcripts); c.3267del, p.Leu1091fs (NM_001409301.1, NM_001409302.1, NM_001409303.1); short protein forms L800fs, L840fs, L951fs, L1091fs.
Identifiers: ClinVar variation 3655921 (VCV003655921.2).
Genomic context (GRCh38, chr5:177,211,665, plus strand): 5'-AGGGAGACCGAGAACGTGGAGGTTCATTGAGAGGTGGGGCAGAAGATCCTAGTAAAGAGG[AT>A]CCCCTTCAGATAATGGGCCACTTAACAAGTGAAGATGGTGACCATTTTTCTGATGTGCAT-3'

ClinVar aggregate classification (germline): Pathogenic (1 of 4 stars; one submission).

Submission:

Labcorp Genetics (formerly Invitae), Labcorp
Classification: Pathogenic. Last evaluated: 2024-06-08. Review status: criteria provided, single submitter. Criteria: Invitae Variant Classification Sherloc (09022015). Collection method: clinical testing. Allele origin: germline.
Comment: This sequence change creates a premature translational stop signal (p.Leu1091Phefs*3) in the NSD1 gene. It is expected to result in an absent or disrupted protein product. Loss-of-function variants in NSD1 are known to be pathogenic (PMID: 12464997, 14571271, 15942875, 16247291). This variant is not present in population databases (gnomAD no frequency). This variant has not been reported in the literature in individuals affected with NSD1-related conditions. For these reasons, this variant has been classified as Pathogenic.

Literature cited by the submitters: PubMed 12464997; PubMed 14571271; PubMed 15942875; PubMed 16247291.